The following is an entry in ClinVar:

Conditions:
Long QT syndrome 5 (LQT5). Identifiers: Orphanet 101016, Orphanet 768, MedGen C1867904, MONDO:0013372, OMIM 613695.

Submission:

Roden Lab, Vanderbilt University Medical Center
No classification provided (evidence only). Condition: Long QT syndrome 5. Review status: no classification provided. Collection method: in vitro. Allele origin: not applicable. Functional consequence: Effect on ion channel function.
ClinVar note: "not provided" was previously submitted as the classification for the variant. However, the classification appeared to be based only on an observation of functional data so it was converted to no classification on 2025-07-30.

NM_000219.6(KCNE1):c.16A>C (p.Thr6Pro)

Gene: KCNE1 (potassium voltage-gated channel subfamily E regulatory subunit 1; minus strand). Cytogenetic location: 21q22.12.
Variant type: single nucleotide variant.
Coding change: c.16A>C on transcript NM_000219.6 (MANE Select); coding-DNA position 16, A replaced by C.
Protein change: p.Thr6Pro; replaces threonine 6 with proline.
Molecular consequence: missense variant.
Genome position (GRCh38, 1-based): chr21:34,449,619, T>G on the plus strand (A>C on the coding strand, the complement: KCNE1 is on the minus strand). VCF-style: chr21-34449619-T-G. GRCh37 (hg19) VCF-style: chr21-35821917-T-G.
Other names: c.16A>C, p.Thr6Pro (NM_001127668.4, NM_001127669.4, NM_001127670.4 and 4 more transcripts); short protein forms T6P.
Identifiers: ClinVar variation 3374199 (VCV003374199.2).